The following is an entry in ClinVar:

ClinVar aggregate classification (germline): Pathogenic/Likely pathogenic. Review status: criteria provided, multiple submitters, no conflicts (2 of 4 stars). 22 submissions from 22 submitters: Pathogenic (14); Likely pathogenic (2). 6 of the submissions do not count toward it. Last evaluated 2026-07-06.

Conditions:
CYP27A1-related disorder. Also called: CYP27A1-related condition.
Cardiovascular phenotype. Identifiers: MedGen CN230736.
Cholestanol storage disease (CTX). Also called: CTX: Cerebrotendinous xanthomatosis; CEREBRAL CHOLESTERINOSIS; Cerebrotendinous Xanthomatosis. Identifiers: Orphanet 909, MedGen C0238052, MONDO:0008948, OMIM 213700.

Allele frequency attached by ClinVar (database versions not stated): ExAC 0.00003; TOPMed 0.00007; gnomAD exomes 0.00008; gnomAD 0.00013; 1000 Genomes Project 30x 0.00016; 1000 Genomes Project 0.00020.
gnomAD v4.1: 105 of 1,608,960 alleles (0.0065%); highest among the groups gnomAD compares: Middle Eastern, 0.017%; no homozygotes.

Submissions 1 to 13 of 22:

PreventionGenetics, part of Exact Sciences
Classification: Pathogenic for CYP27A1-related condition. Last evaluated: 2026-07-06. Review status: criteria provided, single submitter. Criteria: ACMG Guidelines, 2015. Collection method: clinical testing. Allele origin: germline.
Comment: The CYP27A1 c.1016C>T variant is predicted to result in the amino acid substitution p.Thr339Met. Using legacy nomenclature, this variant is also known in the literature as p.Thr306Met. This variant has been reported in several patients with cerebrotendinous xanthomatosis (Family #202 in Reshef et al. 1994. PubMed ID: 8014582; Schabhüttl et al. 2014. PubMed ID: 24627108; Guyant-Maréchal et al. 2005. PubMed ID: 16278884; Huidekoper et al. 2015. PubMed ID: 26156051). This variant is reported in 0.012% of alleles in individuals of African descent in gnomAD and has been interpreted as pathogenic or likely pathogenic by multiple laboratories in ClinVar (Variation ID: 4266). This variant is interpreted as pathogenic.

Labcorp Genetics (formerly Invitae), Labcorp
Classification: Pathogenic for Cholestanol storage disease. Last evaluated: 2026-02-02. Review status: criteria provided, single submitter. Criteria: Invitae Variant Classification Sherloc (09022015). Collection method: clinical testing. Allele origin: germline.
Comment: This sequence change replaces threonine, which is neutral and polar, with methionine, which is neutral and non-polar, at codon 339 of the CYP27A1 protein (p.Thr339Met). This variant is present in population databases (rs121908102, gnomAD 0.01%). This missense change has been observed in individuals with cerebrotendinous xanthomatosis (PMID: 8014582, 24627108, 26156051, 27858369). It has also been observed to segregate with disease in related individuals. This variant is also known as p.Thr306Met. ClinVar contains an entry for this variant (Variation ID: 4266). Invitae Evidence Modeling of protein sequence and biophysical properties (such as structural, functional, and spatial information, amino acid conservation, physicochemical variation, residue mobility, and thermodynamic stability) indicates that this missense variant is expected to disrupt CYP27A1 protein function with a positive predictive value of 95%. For these reasons, this variant has been classified as Pathogenic.

Natera, Inc.
Classification: Pathogenic for Cerebrotendinous xanthomatosis. Last evaluated: 2025-11-17. Review status: criteria provided, single submitter. Criteria: Natera Variant Classification Schema (03/2026). Collection method: clinical testing. Allele origin: germline.
Comment: The c.1016C>T variant in CYP27A1 is a missense variant predicted to cause substitution of threonine to methionine at amino acid 339. This variant is rare in the general population with a frequency below the threshold expected for the associated phenotype(s). This variant has been observed in one or more individuals affected with the associated recessive disease, as either homozygous or compound heterozygous with a second variant (PMID: 27858369, 24627108, 16278884). Given the available evidence, this variant is classified as Pathogenic.

Ambry Genetics
Classification: Pathogenic for Cardiovascular phenotype. Last evaluated: 2025-05-14. Review status: criteria provided, single submitter. Criteria: Ambry Variant Classification Scheme 2023. Collection method: clinical testing. Allele origin: germline.
Comment: The p.T339M pathogenic mutation (also known as c.1016C>T), located in coding exon 5 of the CYP27A1 gene, results from a C to T substitution at nucleotide position 1016. The threonine at codon 339 is replaced by methionine, an amino acid with similar properties. This variant (also referred to as c.1037C>T, p.T306M) has been identified in the homozygous state and/or in conjunction with other CYP27A1 variant(s) in individual(s) with features consistent with cerebrotendinous xanthomatosis (Reshef A et al. J Lipid Res, 1994 Mar;35:478-83; Schabh&uuml;ttl M et al. J Neurol, 2014 May;261:970-82; Huidekoper HH et al. Eur J Pediatr, 2016 Jan;175:143-6; Larson A et al. JIMD Rep, 2017 Nov;35:1-5). This amino acid position is highly conserved in available vertebrate species. In addition, this alteration is predicted to be deleterious by in silico analysis. Based on the supporting evidence, this variant is interpreted as a disease-causing mutation.

Mayo Clinic Laboratories, Mayo Clinic
Classification: Pathogenic. Last evaluated: 2023-11-21. Review status: criteria provided, single submitter. Criteria: ACMG Guidelines, 2015. Collection method: clinical testing. Allele origin: germline. Observed: 1 variant allele.
Comment: PP1_strong, PP3, PM2_moderate, PM3_very_strong

Revvity Omics, Revvity
Classification: Pathogenic for Cholestanol storage disease. Last evaluated: 2023-05-25. Review status: criteria provided, single submitter. Criteria: ACMG Guidelines, 2015. Collection method: clinical testing. Allele origin: germline.

GeneDx
Classification: Pathogenic. Last evaluated: 2022-05-24. Review status: criteria provided, single submitter. Criteria: GeneDx Variant Classification Process June 2021. Collection method: clinical testing. Allele origin: germline. Affected: yes.
Comment: Published functional studies demonstrate absent functional heme activity (Gupta et al., 2007); In silico analysis supports that this missense variant has a deleterious effect on protein structure/function; Not observed at a significant frequency in large population cohorts (gnomAD); This variant is associated with the following publications: (PMID: 16278884, 26643207, 21404287, 17697869, 11181744, 26156051, 28894950, 30270055, 21627786, 21645175, 23212406, 24627108, 27142713, 27858369, 8014582, 31589614, 33414089, 31796091)

3billion
Classification: Pathogenic for Cholestanol storage disease. Last evaluated: 2022-05-22. Review status: criteria provided, single submitter. Criteria: ACMG Guidelines, 2015. Collection method: clinical testing. Allele origin: germline. Affected: yes. Observed: 1 heterozygote.
Comment: The variant is observed at an extremely low frequency in the gnomAD v2.1.1 dataset (total allele frequency: 0.009%). Protein truncation variants are a common disease-causing mechanism. In silico tool predictions suggest damaging effect of the variant on gene or gene product (REVEL: 0.94; 3Cnet: 0.74). Same nucleotide change resulting in same amino acid change has been previously reported as pathogenic/likely pathogenic with strong evidence (ClinVar ID: VCV000004266). The variant has been reported to be in trans with a pathogenic variant as either compound heterozygous or homozygous in at least 2 similarly affected unrelated individuals (PMID: 24627108, 26156051, 27858369) and to co-segregate with the disease in at least one similarly affected relative/individual in the same family or similarly affected unrelated family (PMID:8014582). Therefore, this variant is classified as pathogenic according to the recommendation of ACMG/AMP guideline.

Dasa
Classification: Pathogenic for Cholestanol storage disease. Last evaluated: 2022-01-05. Review status: criteria provided, single submitter. Criteria: ACMG Guidelines, 2015. Collection method: clinical testing. Allele origin: germline. Affected: yes. Observed: 1 variant allele.
Comment: The c.1016C>T;p.(Thr339Met) missense variant has been observed in affected individual(s) and ClinVar contains an entry for this variant (Clinvar ID 4266; PMID: 27142713; 26156051; 24627108; 23212406; 16278884) - PS4. Well-established in vitro or in vivo functional studies support a damaging effect on the gene or gene product (PMID: 11737215) - PS3_moderate. The variant is located in a mutational hot spot and/or critical and well-established functional domain (Cytochrome P450 domain) - PM1. The variant is present at low allele frequencies population databases (rs121908102– gnomAD 0.001117%; ABraOM no frequency) - PM2_supporting. The p.(Thr339Met) was detected in trans with a pathogenic variant (PMID: 27142713; 26156051; 24627108; 23212406; 16278884) - PM3_very strong Multiple lines of computational evidence support a deleterious effect on the gene or gene product - PP3. In summary, the currently available evidence indicates that the variant is pathogenic.

CeGaT Center for Human Genetics Tuebingen
Classification: Pathogenic. Last evaluated: 2020-07-01. Review status: criteria provided, single submitter. Criteria: CeGaT Center For Human Genetics Tuebingen Variant Classification Criteria Version 2. Collection method: clinical testing. Allele origin: germline. Affected: yes. Observed: 1 variant allele.

Mendelics
Classification: Pathogenic for Cholestanol storage disease. Last evaluated: 2019-05-28. Review status: criteria provided, single submitter. Criteria: Mendelics Assertion Criteria 2017. Collection method: clinical testing. Allele origin: unknown.

Fulgent Genetics
Classification: Pathogenic for Cholestanol storage disease. Last evaluated: 2018-10-31. Review status: criteria provided, single submitter. Criteria: ACMG Guidelines, 2015. Collection method: clinical testing. Allele origin: unknown.

Athena Diagnostics
Classification: Likely pathogenic. Last evaluated: 2017-05-12. Review status: criteria provided, single submitter. Criteria: Athena Diagnostics Criteria. Collection method: clinical testing. Allele origin: germline.

NM_000784.4(CYP27A1):c.1016C>T (p.Thr339Met)

Gene: CYP27A1 (cytochrome P450 family 27 subfamily A member 1; plus strand). Cytogenetic location: 2q35.
Variant type: single nucleotide variant.
Coding change: c.1016C>T on transcript NM_000784.4 (MANE Select); coding-DNA position 1016, C replaced by T.
Protein change: p.Thr339Met; replaces threonine 339 with methionine.
Molecular consequence: missense variant.
Genome position (GRCh38, 1-based): chr2:218,813,095, C>T. VCF-style: chr2-218813095-C-T. GRCh37 (hg19) VCF-style: chr2-219677818-C-T.
Other names: short protein forms T339M.
Identifiers: ClinVar variation 4266 (VCV000004266.83), dbSNP rs121908102, ClinGen allele CA340221.